The following is an entry in ClinVar:

ClinVar aggregate classification (germline): Likely benign. Review status: criteria provided, single submitter (1 of 4 stars). 2 submissions from 2 submitters: Likely benign (1). 1 of the submissions does not count toward it. Last evaluated 2025-10-24.

Conditions:
KMT2D-related disorder. Also called: KMT2D-Related Disorders.
Kabuki syndrome. Also called: NIIKAWA-KUROKI SYNDROME; Kabuki make-up syndrome. Identifiers: Orphanet 2322, MedGen C0796004, MONDO:0016512.

Allele frequency attached by ClinVar (database versions not stated): gnomAD exomes below 0.00001; gnomAD 0.00002 and 0.00003; TOPMed 0.00002.
gnomAD v4.1: 8 of 1,551,754 alleles (0.00052%); highest among the groups gnomAD compares: Non-Finnish European, 0.00061%; no homozygotes.

Submissions (2):

Labcorp Genetics (formerly Invitae), Labcorp
Classification: Likely benign for Kabuki syndrome. Last evaluated: 2025-10-24. Review status: criteria provided, single submitter. Criteria: Invitae Variant Classification Sherloc (09022015). Collection method: clinical testing. Allele origin: germline.

PreventionGenetics, part of Exact Sciences
Classification: Likely benign for KMT2D-related condition. Last evaluated: 2022-08-01. Review status: no assertion criteria provided. Collection method: clinical testing. Allele origin: germline. Not counted in ClinVar's aggregate classification.
Comment: This variant is classified as likely benign based on ACMG/AMP sequence variant interpretation guidelines (Richards et al. 2015 PMID: 25741868, with internal and published modifications).

NM_003482.4(KMT2D):c.8367-10A>G

Gene: KMT2D (lysine methyltransferase 2D; minus strand). Cytogenetic location: 12q13.12.
Variant type: single nucleotide variant.
Coding change: c.8367-10A>G on transcript NM_003482.4 (MANE Select); 10 bases into the intron before coding-DNA position 8367, A replaced by G.
Molecular consequence: intron variant.
Genome position (GRCh38, 1-based): chr12:49,038,999, T>C on the plus strand (A>G on the coding strand, the complement: KMT2D is on the minus strand). VCF-style: chr12-49038999-T-C. GRCh37 (hg19) VCF-style: chr12-49432782-T-C.
Other names: c.8367-10A>G (NM_003482.3).
Identifiers: ClinVar variation 1573748 (VCV001573748.10), dbSNP rs925074451, ClinGen allele CA236645821.